The following is an entry in ClinVar:

ClinVar aggregate classification (germline): Likely pathogenic (1 of 4 stars; one submission).

Conditions:
KBG syndrome (KBGS). Also called: ANKRD11-Related KBG Syndrome. Identifiers: Orphanet 2332, MedGen C0220687, MONDO:0007846, OMIM 148050.

Submission:

Umrani?ye Training and Research Hospital
Classification: Likely pathogenic for KBG syndrome. Last evaluated: 2026-06-29. Review status: criteria provided, single submitter. Criteria: ACMG Guidelines, 2015. Collection method: clinical testing. Allele origin: germline. Inheritance: Autosomal dominant inheritance. Affected: yes.
Comment: PVS1, PM2

Literature cited by the submitters: PubMed 42808190.

NM_013275.6(ANKRD11):c.486del (p.Asn162fs)

Gene: ANKRD11 (ankyrin repeat domain 11; minus strand). Cytogenetic location: 16q24.3.
Variant type: Deletion.
Coding change: c.486del on transcript NM_013275.6 (MANE Select); coding-DNA position 486, one base deleted (C; older notation c.486delC).
Protein change: p.Asn162fs; shifts the reading frame from asparagine 162.
Molecular consequence: frameshift variant. On other transcripts: non-coding transcript variant (1).
Genome position (GRCh38, 1-based): chr16:89,290,740, G deleted on the plus strand (C on the coding strand, the reverse complement: ANKRD11 is on the minus strand). VCF-style (leftmost placement, unchanged base first): chr16-89290739-TG-T. GRCh37 (hg19) VCF-style: chr16-89357147-TG-T.
Other names: NP_037407.4:p.(Asn162LysfsTer66); c.486del, p.Asn162fs (NM_001256182.2, NM_001256183.2); short protein forms N162fs.
Identifiers: ClinVar variation 4876217 (VCV004876217.1).